The following is an entry in ClinVar:

ClinVar aggregate classification (germline): Uncertain significance (1 of 4 stars; one submission).

Conditions:
Huntington disease-like 1 (HDL1). Also called: HUNTINGTON-LIKE NEURODEGENERATIVE DISORDER 1; HUNTINGTON-LIKE NEURODEGENERATIVE DISORDER, AUTOSOMAL DOMINANT; PRION DISEASE, EARLY-ONSET, WITH PROMINENT PSYCHIATRIC FEATURES. Identifiers: Orphanet 157941, MedGen C1864112, MONDO:0011299, OMIM 603218.

Allele frequency attached by ClinVar (database versions not stated): TOPMed 0.00001; ExAC 0.00002.

Submission:

Labcorp Genetics (formerly Invitae), Labcorp
Classification: Uncertain significance for Huntington disease-like 1. Last evaluated: 2022-04-25. Review status: criteria provided, single submitter. Criteria: Invitae Variant Classification Sherloc (09022015). Collection method: clinical testing. Allele origin: germline.
Comment: In summary, the available evidence is currently insufficient to determine the role of this variant in disease. Therefore, it has been classified as a Variant of Uncertain Significance. Algorithms developed to predict the effect of missense changes on protein structure and function (SIFT, PolyPhen-2, Align-GVGD) all suggest that this variant is likely to be tolerated. This variant has not been reported in the literature in individuals affected with PRNP-related conditions. This variant is present in population databases (rs779113268, gnomAD 0.01%). This sequence change replaces arginine, which is basic and polar, with histidine, which is basic and polar, at codon 151 of the PRNP protein (p.Arg151His).

NM_000311.5(PRNP):c.452G>A (p.Arg151His)

Gene: PRNP (prion protein (Kanno blood group); plus strand). Cytogenetic location: 20p13.
Variant type: single nucleotide variant.
Coding change: c.452G>A on transcript NM_000311.5 (MANE Select); coding-DNA position 452, G replaced by A.
Protein change: p.Arg151His; replaces arginine 151 with histidine.
Molecular consequence: missense variant. On other transcripts: 3 prime UTR variant (1).
Genome position (GRCh38, 1-based): chr20:4,699,672, G>A. VCF-style: chr20-4699672-G-A. GRCh37 (hg19) VCF-style: chr20-4680318-G-A.
Other names: c.452G>A, p.Arg151His (NM_001080121.3, NM_001080122.3, NM_001080123.3 and 1 more transcripts); c.*141G>A (NM_001271561.3); short protein forms R151H.
Identifiers: ClinVar variation 2081760 (VCV002081760.4), dbSNP rs779113268, ClinGen allele CA9752079.
Genomic context (GRCh38, chr20:4,699,672, plus strand): 5'-GAAGTGCCATGAGCAGGCCCATCATACATTTCGGCAGTGACTATGAGGACCGTTACTATC[G>A]TGAAAACATGCACCGTTACCCCAACCAAGTGTACTACAGGCCCATGGATGAGTACAGCAA-3'
Protein context (NP_000302.1, residues 141-161): FGSDYEDRYY[Arg151His]ENMHRYPNQV